The following is an entry in ClinVar:

ClinVar aggregate classification (germline): Pathogenic (1 of 4 stars; one submission).

Conditions:
Legius syndrome. Identifiers: Orphanet 137605, MedGen C1969623, MONDO:0012669, OMIM 611431. Disease mechanism: loss of function.

Submission:

Labcorp Genetics (formerly Invitae), Labcorp
Classification: Pathogenic for Legius syndrome. Last evaluated: 2022-08-30. Review status: criteria provided, single submitter. Criteria: Invitae Variant Classification Sherloc (09022015). Collection method: clinical testing. Allele origin: germline.
Comment: A gross deletion of the genomic region encompassing the full coding sequence of the SPRED1 gene has been identified. Loss-of-function variants in SPRED1 are known to be pathogenic (PMID: 17704776). The boundaries of this event are unknown as they extend beyond the assayed region for this gene and therefore may encompass additional genes. A similar copy number variant has been observed in individual(s) with Legius syndrome (PMID: 21548021, 22753041). For these reasons, this variant has been classified as Pathogenic.

Literature cited by the submitters: PubMed 17704776; PubMed 21548021; PubMed 22753041.

NC_000015.9:g.(?_38545387)_(38643865_?)del

Gene: SPRED1 (sprouty related EVH1 domain containing 1; plus strand). Cytogenetic location: 15q14.
Variant type: Deletion.
Identifiers: ClinVar variation 1457112 (VCV001457112.7).